The following is an entry in ClinVar:

ClinVar aggregate classification (germline): Conflicting classifications of pathogenicity. Review status: criteria provided, conflicting classifications (1 of 4 stars). 4 submissions from 4 submitters: Uncertain significance (3); Likely benign (1). Last evaluated 2025-07-28.

Conditions:
ADGRV1-related disorder. Also called: ADGRV1-related disorders; ADGRV1-related condition.
Inborn genetic diseases. Identifiers: MedGen C0950123, MeSH D030342.

Allele frequency attached by ClinVar (database versions not stated): gnomAD exomes below 0.00001.
gnomAD v4.1: 2 of 1,549,422 alleles (0.00013%); highest among the groups gnomAD compares: Admixed American, 0.0018%; no homozygotes.

Submissions (4):

Labcorp Genetics (formerly Invitae), Labcorp
Classification: Likely benign. Last evaluated: 2025-07-28. Review status: criteria provided, single submitter. Criteria: Invitae Variant Classification Sherloc (09022015). Collection method: clinical testing. Allele origin: germline.

PreventionGenetics, part of Exact Sciences
Classification: Uncertain significance for ADGRV1-related condition. Last evaluated: 2024-11-28. Review status: criteria provided, single submitter. Criteria: ACMG Guidelines, 2015. Collection method: clinical testing. Allele origin: germline.
Comment: The ADGRV1 c.505C>T variant is predicted to result in the amino acid substitution p.Leu169Phe. To our knowledge, this variant has not been reported in the literature. This variant is reported in 0.0035% of alleles in individuals of Latino descent in gnomAD. At this time, the clinical significance of this variant is uncertain due to the absence of conclusive functional and genetic evidence.

Ambry Genetics
Classification: Uncertain significance for Inborn genetic diseases. Last evaluated: 2023-12-27. Review status: criteria provided, single submitter. Criteria: Ambry Variant Classification Scheme 2023. Collection method: clinical testing. Allele origin: germline.

GeneDx
Classification: Uncertain significance. Last evaluated: 2022-06-27. Review status: criteria provided, single submitter. Criteria: GeneDx Variant Classification Process June 2021. Collection method: clinical testing. Allele origin: germline. Affected: yes.
Comment: Not observed at significant frequency in large population cohorts (gnomAD); In silico analysis supports that this missense variant has a deleterious effect on protein structure/function; Has not been previously published as pathogenic or benign to our knowledge

NM_032119.4(ADGRV1):c.505C>T (p.Leu169Phe)

Gene: ADGRV1 (adhesion G protein-coupled receptor V1; plus strand). Cytogenetic location: 5q14.3.
Variant type: single nucleotide variant.
Coding change: c.505C>T on transcript NM_032119.4 (MANE Select); coding-DNA position 505, C replaced by T.
Protein change: p.Leu169Phe; replaces leucine 169 with phenylalanine.
Molecular consequence: missense variant. On other transcripts: non-coding transcript variant (1).
Genome position (GRCh38, 1-based): chr5:90,622,648, C>T. VCF-style: chr5-90622648-C-T. GRCh37 (hg19) VCF-style: chr5-89918465-C-T.
Other names: short protein forms L169F.
Identifiers: ClinVar variation 1441071 (VCV001441071.11), dbSNP rs952062982, ClinGen allele CA360363297.